The following is an entry in ClinVar:

ClinVar aggregate classification (germline): Uncertain significance (1 of 4 stars; one submission).

gnomAD v4.1: 2 of 1,211,730 alleles (0.00017%); highest among the groups gnomAD compares: Non-Finnish European, 0.00022%; no homozygotes.

Submission:

Labcorp Genetics (formerly Invitae), Labcorp
Classification: Uncertain significance. Last evaluated: 2025-03-19. Review status: criteria provided, single submitter. Criteria: Invitae Variant Classification Sherloc (09022015). Collection method: clinical testing. Allele origin: germline.
Comment: This sequence change replaces histidine, which is basic and polar, with arginine, which is basic and polar, at codon 876 of the NEXMIF protein (p.His876Arg). This variant is not present in population databases (gnomAD no frequency). This variant has not been reported in the literature in individuals affected with NEXMIF-related conditions. An algorithm developed to predict the effect of missense changes on protein structure and function (PolyPhen-2) suggests that this variant is likely to be tolerated. In summary, the available evidence is currently insufficient to determine the role of this variant in disease. Therefore, it has been classified as a Variant of Uncertain Significance.

NM_001008537.3(NEXMIF):c.2627A>G (p.His876Arg)

Gene: NEXMIF (neurite extension and migration factor; minus strand). Cytogenetic location: Xq13.3.
Variant type: single nucleotide variant.
Coding change: c.2627A>G on transcript NM_001008537.3 (MANE Select); coding-DNA position 2627, A replaced by G.
Protein change: p.His876Arg; replaces histidine 876 with arginine.
Molecular consequence: missense variant.
Genome position (GRCh38, 1-based): chrX:74,741,930, T>C on the plus strand (A>G on the coding strand, the complement: NEXMIF is on the minus strand). VCF-style: chrX-74741930-T-C. GRCh37 (hg19) VCF-style: chrX-73961765-T-C.
Other names: short protein forms H876R.
Identifiers: ClinVar variation 4715467 (VCV004715467.1).